The following is an entry in ClinVar:

ClinVar aggregate classification (germline): Likely pathogenic. Review status: criteria provided, multiple submitters, no conflicts (2 of 4 stars). 5 submissions from 5 submitters: Likely pathogenic (4). 1 of the submissions does not count toward it. Last evaluated 2025-10-29.

Conditions:
Anauxetic dysplasia. Identifiers: Orphanet 93347, MedGen C1846796, MONDO:0011773.
Anauxetic dysplasia 1 (ANXD1). Also called: Anauxetic Dysplasia (AD). Identifiers: Orphanet 93347, MedGen C4551965, MONDO:0054560, OMIM 607095.
Metaphyseal dysplasia without hypotrichosis. Also called: Metaphyseal Dysplasia without Hypotrichosis (MDWH); CARTILAGE-HAIR HYPOPLASIA VARIANT, SKELETAL MANIFESTATIONS ONLY; CARTILAGE-HAIR HYPOPLASIA-LIKE SKELETAL DYSPLASIA WITHOUT HYPOTRICHOSIS OR IMMUNODEFICIENCY. Identifiers: MedGen C1834821, MONDO:0009601, OMIM 250460.
Metaphyseal chondrodysplasia, McKusick type (CHH). Also called: Cartilage-hair hypoplasia; Cartilage-Hair Hypoplasia (CHH). Identifiers: Orphanet 175, MedGen C0220748, MONDO:0009595, OMIM 250250.

Allele frequency attached by ClinVar (database versions not stated): gnomAD exomes below 0.00001.

Submissions (5):

Natera, Inc.
Classification: Likely pathogenic for Cartilage-hair hypoplasia. Last evaluated: 2025-10-29. Review status: criteria provided, single submitter. Criteria: Natera Variant Classification Schema (03/2026). Collection method: clinical testing. Allele origin: germline.
Comment: The n.-20_-10dupCTCTGTGAAGC variant in RMRP is a duplication affecting the RMRP promoter region between the TATA box and the transcription initiation site. Other duplications and insertions just upstream of the transcription initiation site have been reported in individuals affected with cartilage-hair hypoplasia (PMID: 11207361, 17937437). This variant is rare in the general population with a frequency below the threshold expected for the associated phenotype(s). Given the available evidence, this variant is classified as Likely Pathogenic.

Labcorp Genetics (formerly Invitae), Labcorp
Classification: Likely pathogenic for Anauxetic dysplasia. Last evaluated: 2024-01-25. Review status: criteria provided, single submitter. Criteria: Invitae Variant Classification Sherloc (09022015). Collection method: clinical testing. Allele origin: germline.
Comment: This variant occurs in the RMRP gene, which encodes an RNA molecule that does not result in a protein product. This variant is not present in population databases (gnomAD no frequency). While this particular variant has not been reported in the literature, it is located in the promoter region between the TATA box and the transcription initiation site, and other insertions and duplications immediately upstream of the coding sequence have been reported in individuals affected with cartilage-hair hypoplasia-anauxetic dysplasia (CHH-AD) spectrum disorders (PMID: 16244706, 11207361, 12107819). ClinVar contains an entry for this variant (Variation ID: 557941). While functional studies for this variant have not been reported, experimental analyses using patient derived cells, as well as in vitro transfection studies, have shown that promoter insertions result in silencing of RMRP transcription and reduced expression of the gene product (PMID: 11207361, 16254002). In summary, the currently available evidence indicates that the variant is pathogenic, but additional data are needed to prove that conclusively. Therefore, this variant has been classified as Likely Pathogenic.

Women's Health and Genetics/Laboratory Corporation of America, LabCorp
Classification: Likely pathogenic for Metaphyseal chondrodysplasia, McKusick type. Last evaluated: 2023-04-12. Review status: criteria provided, single submitter. Criteria: LabCorp Variant Classification Summary - May 2015. Collection method: clinical testing. Allele origin: germline.
Comment: Variant summary: RMRP n.-20_-10dup11 involves the duplication of 11 nucleotides in the promoter region of RMRP, which is located between the TATA box (-33 to -25) and the transcription initiation site. Other insertions or duplications in the promoter region of RMRP have been classified as pathogenic (internally and in ClinVar). The variant was absent in 127922 control chromosomes (gnomAD v2.1 dataset). To our knowledge, no occurrence of n.-20_-10dup11 in individuals affected with Cartilage-Hair Hypoplasia and no experimental evidence demonstrating its impact on RNA function have been reported. However, many other insertions or duplications in the promoter region of RMRP have been reported in affected individuals in the literature (e.g. PMIDs: 21956908, 21396580) and have been demonstrated through functional studies to lead to reduced RMRP transcription (e.g. PMIDs: 11207361, 16254002, 17937437). Four clinical diagnostic laboratories have submitted clinical-significance assessments for this variant to ClinVar after 2014, and classified the variant as likely pathogenic. Based on the evidence outlined above, the variant was classified as likely pathogenic.

Fulgent Genetics
Classification: Likely pathogenic for Metaphyseal chondrodysplasia, McKusick type; Metaphyseal dysplasia without hypotrichosis; Anauxetic dysplasia 1. Last evaluated: 2021-11-15. Review status: criteria provided, single submitter. Criteria: ACMG Guidelines, 2015. Collection method: clinical testing. Allele origin: unknown.

Counsyl
Classification: Likely pathogenic for Metaphyseal chondrodysplasia, McKusick type. Last evaluated: 2018-04-20. Review status: no assertion criteria provided. Collection method: clinical testing. Allele origin: unknown. Not counted in ClinVar's aggregate classification.

Literature cited by the submitters: PubMed 11207361 (cited by Natera, Inc. and Labcorp Genetics (formerly Invitae), Labcorp); PubMed 17937437 (cited by Natera, Inc.); PubMed 16244706 (cited by Labcorp Genetics (formerly Invitae), Labcorp); PubMed 12107819 (cited by Labcorp Genetics (formerly Invitae), Labcorp); PubMed 16254002 (cited by Labcorp Genetics (formerly Invitae), Labcorp).

NR_003051.3(RMRP):n.-20_-10dup

Gene: RMRP (RNA component of mitochondrial RNA processing endoribonuclease; minus strand). Cytogenetic location: 9p13.3.
Variant type: Duplication.
Genome position: GRCh38 VCF-style: chr9-35658027-A-AGCTTCACAGAG. GRCh37 (hg19) VCF-style: chr9-35658024-A-AGCTTCACAGAG.
Identifiers: ClinVar variation 557941 (VCV000557941.17), dbSNP rs1554651486, ClinGen allele CA658821606.